The following is an entry in ClinVar:

NM_004006.3(DMD):c.10087_10098del (p.Thr3363_Gly3366del)

Gene: DMD (dystrophin; minus strand). Cytogenetic location: Xp21.2.
Variant type: Deletion.
Coding change: c.10087_10098del on transcript NM_004006.3 (MANE Select); coding-DNA positions 10087 to 10098, 12 bases deleted (ACTACATCAGGA).
Protein change: p.Thr3363_Gly3366del.
Molecular consequence: inframe deletion.
Genome position (GRCh38, 1-based): chrX:31,178,794-31,178,805, TCCTGATGTAGT deleted on the plus strand (ACTACATCAGGA on the coding strand, the reverse complement: DMD is on the minus strand). VCF-style (leftmost placement, unchanged base first): chrX-31178793-CTCCTGATGTAGT-C. GRCh37 (hg19) VCF-style: chrX-31196910-CTCCTGATGTAGT-C.
Other names: c.10063_10074del, p.Thr3355_Gly3358del (NM_000109.4); c.10075_10086del, p.Thr3359_Gly3362del (NM_004009.3); c.9718_9729del, p.Thr3240_Gly3243del (NM_004010.3); c.6064_6075del, p.Thr2022_Gly2025del (NM_004011.4); c.6055_6066del, p.Thr2019_Gly2022del (NM_004012.4); c.2707_2718del, p.Thr903_Gly906del (NM_004013.3, NM_004020.4, NM_004021.3 and 2 more transcripts); c.1900_1911del, p.Thr634_Gly637del (NM_004014.3); c.883_894del, p.Thr295_Gly298del (NM_004015.3, NM_004016.3, NM_004017.3 and 2 more transcripts).
Identifiers: ClinVar variation 1526091 (VCV001526091.1), dbSNP rs2148292317, ClinGen allele CA2573158734.

ClinVar aggregate classification (germline): Uncertain significance (1 of 4 stars; one submission).

Conditions:
Duchenne muscular dystrophy (DMD). Also called: MUSCULAR DYSTROPHY, PSEUDOHYPERTROPHIC PROGRESSIVE, DUCHENNE TYPE; Duchenne Muscular Dystrophy (DMD). Identifiers: Orphanet 98896, MedGen C0013264, MONDO:0010679, OMIM 310200.

Submission:

3billion
Classification: Uncertain significance for Duchenne muscular dystrophy. Last evaluated: 2022-03-22. Review status: criteria provided, single submitter. Criteria: ACMG Guidelines, 2015. Collection method: clinical testing. Allele origin: germline. Affected: yes. Observed: 1 hemizygote.
Comment: Inframe deletion located in a nonrepeat region: predicted to change the length of the protein and disrupt normal protein function.It is not observed in the gnomAD v2.1.1 dataset. This variant has been reported as disease-causing (PMID:32962870), although there was no evidence from an independent evaluation at the laboratory level. Therefore, this variant is classified as uncertain significance according to the recommendation of ACMG/AMP guideline.

Literature cited by the submitters: PubMed 32962870.